The following is an entry in ClinVar:

NC_000023.10:g.(?_153607825)_(153609577_?)del

Gene: EMD (emerin; plus strand). Cytogenetic location: Xq28.
Variant type: Deletion.
Identifiers: ClinVar variation 583878 (VCV000583878.1).

ClinVar aggregate classification (germline): Pathogenic (1 of 4 stars; one submission).

Conditions:
X-linked Emery-Dreifuss muscular dystrophy. Also called: Muscular dystrophy, tardive Emery-Dreifuss type, with contractures. Identifiers: Orphanet 261, Orphanet 98863, MedGen C0751337, MONDO:0010680.

Submission:

Labcorp Genetics (formerly Invitae), Labcorp
Classification: Pathogenic for Emery-Dreifuss muscular dystrophy 1, X-linked. Last evaluated: 2018-02-09. Review status: criteria provided, single submitter. Criteria: Invitae Variant Classification Sherloc (09022015). Collection method: clinical testing. Allele origin: germline.
Comment: A gross deletion of the genomic region encompassing the full coding sequence of the EMD gene has been identified. The boundaries of this event are unknown as the deletion extends beyond the assayed region for this gene and therefore may encompass additional genes. Similar deletions of the EMD gene have been reported in individuals affected with Emeryâ€šÃ„Ã¬Dreifuss muscular dystrophy (PMID: 9384614, 10480214). Loss-of-function variants in EMD are known to be pathogenic (PMID: 24365856). For these reasons, this variant has been classified as Pathogenic.

Literature cited by the submitters: PubMed 10480214; PubMed 9384614.